The following is an entry in ClinVar:

NM_152383.5(DIS3L2):c.1545del (p.Ile516fs)

Gene: DIS3L2 (DIS3 like 3'-5' exoribonuclease 2; plus strand). Cytogenetic location: 2q37.1.
Variant type: Deletion.
Coding change: c.1545del on transcript NM_152383.5 (MANE Select); coding-DNA position 1545, one base deleted (C; older notation c.1545delC).
Protein change: p.Ile516fs; shifts the reading frame from isoleucine 516.
Molecular consequence: frameshift variant. On other transcripts: non-coding transcript variant (2).
Genome position (GRCh38, 1-based): chr2:232,263,326, C deleted; the last of 6 consecutive C bases (chr2:232,263,321-232,263,326); deleting any one gives the same sequence. VCF-style (leftmost placement, unchanged base first): chr2-232263320-GC-G. GRCh37 (hg19) VCF-style: chr2-233128030-GC-G.
Other names: c.1545del, p.Ile516fs (NM_001257281.2); short protein forms I516fs.
Identifiers: ClinVar variation 2022087 (VCV002022087.4), dbSNP rs2106281153, ClinGen allele CA2580066027.

ClinVar aggregate classification (germline): Pathogenic (1 of 4 stars; one submission).

Conditions:
Perlman syndrome (PRLMNS). Identifiers: Orphanet 2849, MedGen C0796113, MONDO:0009965, OMIM 267000.

Submission:

Labcorp Genetics (formerly Invitae), Labcorp
Classification: Pathogenic for Perlman syndrome. Last evaluated: 2024-10-24. Review status: criteria provided, single submitter. Criteria: Invitae Variant Classification Sherloc (09022015). Collection method: clinical testing. Allele origin: germline.
Comment: This sequence change creates a premature translational stop signal (p.Ile516Phefs*15) in the DIS3L2 gene. It is expected to result in an absent or disrupted protein product. Loss-of-function variants in DIS3L2 are known to be pathogenic (PMID: 22306653, 28328139). This variant is not present in population databases (gnomAD no frequency). This variant has not been reported in the literature in individuals affected with DIS3L2-related conditions. ClinVar contains an entry for this variant (Variation ID: 2022087). For these reasons, this variant has been classified as Pathogenic.

Literature cited by the submitters: PubMed 22306653; PubMed 28328139.